The following is an entry in ClinVar:

ClinVar aggregate classification (germline): Uncertain significance (1 of 4 stars; one submission).

gnomAD v4.1: 1 of 1,210,551 alleles (0.000083%); highest among the groups gnomAD compares: African/African-American, 0.0017%; no homozygotes.

Submission:

GeneDx
Classification: Uncertain significance. Last evaluated: 2024-02-22. Review status: criteria provided, single submitter. Criteria: GeneDx Variant Classification Process June 2021. Collection method: clinical testing. Allele origin: germline. Affected: yes.
Comment: Not observed at significant frequency in large population cohorts (gnomAD); In silico analysis supports that this missense variant has a deleterious effect on protein structure/function; Has not been previously published as pathogenic or benign to our knowledge

NM_000047.3(ARSL):c.1226C>G (p.Thr409Arg)

Gene: ARSL (arylsulfatase L; minus strand). Cytogenetic location: Xp22.33.
Variant type: single nucleotide variant.
Coding change: c.1226C>G on transcript NM_000047.3 (MANE Select); coding-DNA position 1226, C replaced by G.
Protein change: p.Thr409Arg; replaces threonine 409 with arginine.
Molecular consequence: missense variant.
Genome position (GRCh38, 1-based): chrX:2,938,158, G>C on the plus strand (C>G on the coding strand, the complement: ARSL is on the minus strand). VCF-style: chrX-2938158-G-C. GRCh37 (hg19) VCF-style: chrX-2856199-G-C.
Other names: c.1301C>G, p.Thr434Arg (NM_001282628.2, NM_001369080.1); c.1064C>G, p.Thr355Arg (NM_001282631.2); c.1253C>G, p.Thr418Arg (NM_001369079.1); short protein forms T355R, T409R, T418R, T434R.
Identifiers: ClinVar variation 3369643 (VCV003369643.1).
Genomic context (GRCh38, chrX:2,938,158, plus strand): 5'-TCCTGGGGCACCTCGCCGCCCGCCAGCCGGACCACGGTGGGGAACACGTCCATCAGACTC[G>C]TGGGCTCGCCAATCACTCGGCCGGCCGGGAGCACCCCGGGCCAGCGGAAGATCCCGGGCA-3'
Protein context (NP_000038.2, residues 399-419): LPAGRVIGEP[Thr409Arg]SLMDVFPTVV